The following is an entry in ClinVar:

NM_000052.7(ATP7A):c.740T>C (p.Leu247Ser)

Gene: ATP7A (ATPase copper transporting alpha; plus strand). Cytogenetic location: Xq21.1.
Variant type: single nucleotide variant.
Coding change: c.740T>C on transcript NM_000052.7 (MANE Select); coding-DNA position 740, T replaced by C.
Protein change: p.Leu247Ser; replaces leucine 247 with serine.
Molecular consequence: missense variant.
Genome position (GRCh38, 1-based): chrX:77,989,362, T>C. VCF-style: chrX-77989362-T-C. GRCh37 (hg19) VCF-style: chrX-77244858-T-C.
Other names: c.740T>C, p.Leu247Ser (NM_001282224.2); short protein forms L247S.
Identifiers: ClinVar variation 1963464 (VCV001963464.4), dbSNP rs2077656502, ClinGen allele CA413600715.

ClinVar aggregate classification (germline): Uncertain significance (1 of 4 stars; one submission).

Conditions:
Menkes kinky-hair syndrome (MNK). Also called: Classic Menkes Disease; Copper transport disease; Menkes Disease. Identifiers: Orphanet 565, MedGen C0022716, MONDO:0010651, OMIM 309400.
X-linked distal spinal muscular atrophy type 3. Also called: NEURONOPATHY, DISTAL HEREDITARY MOTOR, X-LINKED; NEUROPATHY, DISTAL HEREDITARY MOTOR, X-LINKED; ATP7A-Related Distal Motor Neuropathy; SPINAL MUSCULAR ATROPHY, DISTAL, X-LINKED RECESSIVE. Identifiers: Orphanet 139557, MedGen C1845359, MONDO:0010338, OMIM 300489.
Cutis laxa, X-linked (OHS). Also called: EDS IX; Occipital horn syndrome. Identifiers: Orphanet 198, MedGen C0268353, MONDO:0010572, OMIM 304150.

Allele frequency attached by ClinVar (database versions not stated): gnomAD exomes below 0.00001; TOPMed 0.00001.
gnomAD v4.1: 1 of 1,211,329 alleles (0.000083%); highest among the groups gnomAD compares: Non-Finnish European, 0.00011%; no homozygotes.

Submission:

Labcorp Genetics (formerly Invitae), Labcorp
Classification: Uncertain significance for X-linked distal spinal muscular atrophy type 3; Cutis laxa, X-linked; Menkes kinky-hair syndrome. Last evaluated: 2024-12-18. Review status: criteria provided, single submitter. Criteria: Invitae Variant Classification Sherloc (09022015). Collection method: clinical testing. Allele origin: germline.
Comment: This sequence change replaces leucine, which is neutral and non-polar, with serine, which is neutral and polar, at codon 247 of the ATP7A protein (p.Leu247Ser). This variant is not present in population databases (gnomAD no frequency). This variant has not been reported in the literature in individuals affected with ATP7A-related conditions. ClinVar contains an entry for this variant (Variation ID: 1963464). Invitae Evidence Modeling of protein sequence and biophysical properties (such as structural, functional, and spatial information, amino acid conservation, physicochemical variation, residue mobility, and thermodynamic stability) has been performed for this missense variant. However, the output from this modeling did not meet the statistical confidence thresholds required to predict the impact of this variant on ATP7A protein function. In summary, the available evidence is currently insufficient to determine the role of this variant in disease. Therefore, it has been classified as a Variant of Uncertain Significance.